The following is an entry in ClinVar:

ClinVar aggregate classification (germline): Uncertain significance (1 of 4 stars; one submission).

Conditions:
Hypertrophic cardiomyopathy. Also called: HYPERTROPHIC MYOCARDIOPATHY. Identifiers: Orphanet 217569, MedGen C0007194, MeSH D002312, MONDO:0005045, HP:0001639.

Allele frequency attached by ClinVar (database versions not stated): TOPMed below 0.00001.

Submission:

Labcorp Genetics (formerly Invitae), Labcorp
Classification: Uncertain significance for Hypertrophic cardiomyopathy. Last evaluated: 2022-10-05. Review status: criteria provided, single submitter. Criteria: Invitae Variant Classification Sherloc (09022015). Collection method: clinical testing. Allele origin: germline.
Comment: In summary, the available evidence is currently insufficient to determine the role of this variant in disease. Therefore, it has been classified as a Variant of Uncertain Significance. Algorithms developed to predict the effect of missense changes on protein structure and function are either unavailable or do not agree on the potential impact of this missense change (SIFT: "Deleterious"; PolyPhen-2: "Benign"; Align-GVGD: "Class C0"). This variant has not been reported in the literature in individuals affected with MYBPC3-related conditions. This variant is not present in population databases (gnomAD no frequency). This sequence change replaces leucine, which is neutral and non-polar, with phenylalanine, which is neutral and non-polar, at codon 973 of the MYBPC3 protein (p.Leu973Phe).

NM_000256.3(MYBPC3):c.2917C>T (p.Leu973Phe)

Gene: MYBPC3 (myosin binding protein C3; minus strand). Cytogenetic location: 11p11.2.
Variant type: single nucleotide variant.
Coding change: c.2917C>T on transcript NM_000256.3 (MANE Select); coding-DNA position 2917, C replaced by T.
Protein change: p.Leu973Phe; replaces leucine 973 with phenylalanine.
Molecular consequence: missense variant.
Genome position (GRCh38, 1-based): chr11:47,333,999, G>A on the plus strand (C>T on the coding strand, the complement: MYBPC3 is on the minus strand). VCF-style: chr11-47333999-G-A. GRCh37 (hg19) VCF-style: chr11-47355550-G-A.
Other names: short protein forms L973F.
Identifiers: ClinVar variation 2163894 (VCV002163894.4), dbSNP rs2095879987, ClinGen allele CA380316020.